The following is an entry in ClinVar:

ClinVar aggregate classification (germline): Likely pathogenic (1 of 4 stars; one submission).

Submission:

GeneDx
Classification: Likely pathogenic. Last evaluated: 2024-05-31. Review status: criteria provided, single submitter. Criteria: GeneDx Variant Classification Process June 2021. Collection method: clinical testing. Allele origin: germline. Affected: yes.
Comment: Alters the last nucleotide of the exon and is predicted to destroy the splice donor site and result in aberrant splicing, although in the absence of functional evidence the actual effect of this sequence change is unknown; Not observed at significant frequency in large population cohorts (gnomAD); Has not been previously published as pathogenic or benign to our knowledge

NM_001369268.1(ACAN):c.1732G>C (p.Gly578Arg)

Gene: ACAN (aggrecan; plus strand). Cytogenetic location: 15q26.1.
Variant type: single nucleotide variant.
Coding change: c.1732G>C on transcript NM_001369268.1 (MANE Select); coding-DNA position 1732, G replaced by C.
Protein change: p.Gly578Arg; replaces glycine 578 with arginine.
Molecular consequence: missense variant.
Genome position (GRCh38, 1-based): chr15:88,848,038, G>C. VCF-style: chr15-88848038-G-C. GRCh37 (hg19) VCF-style: chr15-89391269-G-C.
Other names: c.1732G>C, p.Gly578Arg (NM_001135.4, NM_013227.4); short protein forms G578R.
Identifiers: ClinVar variation 1318755 (VCV001318755.4), dbSNP rs2141587692, ClinGen allele CA393711128.